The following is an entry in ClinVar:

NM_001006681.2(SPIN2B):c.136C>T (p.Arg46Cys)

Gene: SPIN2B (spindlin family member 2B; minus strand). Cytogenetic location: Xp11.21.
Variant type: single nucleotide variant.
Coding change: c.136C>T on transcript NM_001006681.2 (MANE Select); coding-DNA position 136, C replaced by T.
Protein change: p.Arg46Cys; replaces arginine 46 with cysteine.
Molecular consequence: missense variant.
Genome position (GRCh38, 1-based): chrX:57,120,494, G>A on the plus strand (C>T on the coding strand, the complement: SPIN2B is on the minus strand). VCF-style: chrX-57120494-G-A. GRCh37 (hg19) VCF-style: chrX-57146927-G-A.
Other names: c.136C>T, p.Arg46Cys (NM_001006682.2, NM_001006683.2, NM_001282461.2 and 1 more transcripts); short protein forms R46C.
Identifiers: ClinVar variation 4083650 (VCV004083650.8).

ClinVar aggregate classification (germline): Likely benign (1 of 4 stars; one submission).

gnomAD v4.1: 533 of 642,070 alleles (0.083%); highest among the groups gnomAD compares: South Asian, 0.55%; no homozygotes.

Submission:

CeGaT Center for Human Genetics Tuebingen
Classification: Likely benign. Last evaluated: 2025-07-01. Review status: criteria provided, single submitter. Criteria: CeGaT Center For Human Genetics Tuebingen Variant Classification Criteria Version 2. Collection method: clinical testing. Allele origin: germline. Affected: yes. Observed: 1 variant allele.
Comment: SPIN2B: BS2